The following is an entry in ClinVar:

NC_000015.10:g.48434694_48434695delinsC

Gene: FBN1 (fibrillin 1; minus strand). Cytogenetic location: 15q21.1.
Variant type: Indel.
Genome position: GRCh38 VCF-style: chr15-48434694-AA-C. GRCh37 (hg19) VCF-style: chr15-48726891-AA-C.
Other names: c.6515_6516delinsG, p.Val2172fs (NM_000138.5); short protein forms V2172fs.
Identifiers: ClinVar variation 42403 (VCV000042403.7), dbSNP rs397515834, ClinGen allele CA016548.

ClinVar aggregate classification (germline): Pathogenic/Likely pathogenic. Review status: criteria provided, multiple submitters, no conflicts (2 of 4 stars). 2 submissions from 2 submitters: Pathogenic (1); Likely pathogenic (1). Last evaluated 2023-09-09.

Conditions:
Marfan syndrome (MFS). Also called: FBN1-Related Marfan Syndrome; Marfan syndrome, classic; MARFAN SYNDROME, TYPE I; Marfan syndrome type 1; Marfan's syndrome. Identifiers: Orphanet 284963, Orphanet 558, MedGen C0024796, MONDO:0007947, OMIM 154700.
Familial thoracic aortic aneurysm and aortic dissection (TAAD). Also called: Thoracic aortic aneurysms and dissections. Identifiers: Orphanet 91387, MedGen C4707243, MONDO:0019625.

Submissions (2):

Labcorp Genetics (formerly Invitae), Labcorp
Classification: Pathogenic for Marfan syndrome; Familial thoracic aortic aneurysm and aortic dissection. Last evaluated: 2023-09-09. Review status: criteria provided, single submitter. Criteria: Invitae Variant Classification Sherloc (09022015). Collection method: clinical testing. Allele origin: germline.
Comment: For these reasons, this variant has been classified as Pathogenic. This premature translational stop signal has been observed in individual(s) with Marfan syndrome (PMID: 24793577). Information on the frequency of this variant in the gnomAD database is not available, as this variant may be reported differently in the database. This sequence change creates a premature translational stop signal (p.Val2172Glyfs*13) in the FBN1 gene. It is expected to result in an absent or disrupted protein product. Loss-of-function variants in FBN1 are known to be pathogenic (PMID: 17657824, 19293843).

Laboratory for Molecular Medicine, Mass General Brigham Personalized Medicine
Classification: Likely pathogenic for Marfan syndrome. Last evaluated: 2008-05-27. Review status: criteria provided, single submitter. Criteria: LMM Criteria. Collection method: clinical testing. Allele origin: germline. Observed: 1 variant allele.

Literature cited by the submitters: PubMed 24793577 (cited by Labcorp Genetics (formerly Invitae), Labcorp); PubMed 17657824 (cited by Labcorp Genetics (formerly Invitae), Labcorp); PubMed 19293843 (cited by Labcorp Genetics (formerly Invitae), Labcorp).